The following is an entry in ClinVar:

ClinVar aggregate classification (germline): Likely benign. Review status: criteria provided, multiple submitters, no conflicts (2 of 4 stars). 2 submissions from 2 submitters: Likely benign (2). Last evaluated 2019-11-28.

Conditions:
Familial thoracic aortic aneurysm and aortic dissection (TAAD). Also called: Thoracic aortic aneurysms and dissections. Identifiers: Orphanet 91387, MedGen C4707243, MONDO:0019625.

Allele frequency attached by ClinVar (database versions not stated): gnomAD below 0.00001 and 0.00001; gnomAD exomes 0.00001 and 0.00002; ExAC 0.00003.
gnomAD v4.1: 13 of 1,613,820 alleles (0.00081%); highest among the groups gnomAD compares: South Asian, 0.0099%; no homozygotes.

Submissions (2):

Ambry Genetics
Classification: Likely benign for Familial thoracic aortic aneurysm and aortic dissection. Last evaluated: 2019-11-28. Review status: criteria provided, single submitter. Criteria: Ambry Variant Classification Scheme 2023. Collection method: clinical testing. Allele origin: germline.

GeneDx
Classification: Likely benign. Last evaluated: 2016-02-09. Review status: criteria provided, single submitter. Criteria: GeneDx Variant Classification (06012015). Collection method: clinical testing. Allele origin: germline. Affected: yes.
Comment: This variant is considered likely benign or benign based on one or more of the following criteria: it is a conservative change, it occurs at a poorly conserved position in the protein, it is predicted to be benign by multiple in silico algorithms, and/or has population frequency not consistent with disease.

NM_000093.5(COL5A1):c.3201A>G (p.Pro1067=)

Gene: COL5A1 (collagen type V alpha 1 chain; plus strand). Cytogenetic location: 9q34.3.
Variant type: single nucleotide variant.
Coding change: c.3201A>G on transcript NM_000093.5 (MANE Select); coding-DNA position 3201, A replaced by G.
Protein change: p.Pro1067=; no amino-acid change (proline 1067 retained).
Molecular consequence: synonymous variant.
Genome position (GRCh38, 1-based): chr9:134,805,061, A>G. VCF-style: chr9-134805061-A-G. GRCh37 (hg19) VCF-style: chr9-137696907-A-G.
Other names: c.3201A>G, p.Pro1067= (NM_001278074.1).
Identifiers: ClinVar variation 383510 (VCV000383510.3), dbSNP rs773094034, ClinGen allele CA5319786.
Genomic context (GRCh38, chr9:134,805,061, plus strand): 5'-TGGGAAAGATGGCCCTCCAGGATTACGTGGTTTCCCTGGGGACCGAGGGCTTCCTGGTCC[A>G]GTGGTGAGTGAGAGGCCAGGCGGGGAATGAAATGGGACAGGTGCAGCCCTGGAGGCCTCT-3'
Protein context (NP_000084.3, residues 1057-1077): GFPGDRGLPG[Pro1067=]VGALGLKGNE